The following is an entry in ClinVar:

NM_001384140.1(PCDH15):c.158-2A>T

Gene: PCDH15 (protocadherin related 15; minus strand). Cytogenetic location: 10q21.1.
Variant type: single nucleotide variant.
Coding change: c.158-2A>T on transcript NM_001384140.1 (MANE Select); the canonical splice acceptor site of the intron before coding-DNA position 158, A replaced by T.
Molecular consequence: splice acceptor variant.
Genome position (GRCh38, 1-based): chr10:54,378,944, T>A on the plus strand (A>T on the coding strand, the complement: PCDH15 is on the minus strand). VCF-style: chr10-54378944-T-A. GRCh37 (hg19) VCF-style: chr10-56138704-T-A.
Other names: c.158-2A>T (NM_001354420.2, NM_001354429.2, NM_001142772.2 and 8 more transcripts); c.173-2A>T (NM_001142771.2, NM_001142769.3, NM_001142763.2); c.92-2A>T (NM_001354404.2, NM_001142773.2, NM_001142768.2).
Identifiers: ClinVar variation 556109 (VCV000556109.16), dbSNP rs1304228309, ClinGen allele CA376540750.

ClinVar aggregate classification (germline): Pathogenic/Likely pathogenic. Review status: criteria provided, multiple submitters, no conflicts (2 of 4 stars). 5 submissions from 5 submitters: Pathogenic (2); Likely pathogenic (2). 1 of the submissions does not count toward it. Last evaluated 2025-06-18.

Conditions:
Autosomal recessive nonsyndromic hearing loss 23. Identifiers: Orphanet 90636, MedGen C1836027, MONDO:0012293, OMIM 609533.
Usher syndrome type 1F (USH1F). Also called: USHER SYNDROME, TYPE IF. Identifiers: Orphanet 231169, Orphanet 886, MedGen C1865885, MONDO:0011186, OMIM 602083.

Allele frequency attached by ClinVar (database versions not stated): gnomAD exomes 0.00001.
gnomAD v4.1: 19 of 1,613,638 alleles (0.0012%); highest among the groups gnomAD compares: Non-Finnish European, 0.0016%; no homozygotes.

Submissions (5):

Natera, Inc.
Classification: Pathogenic for Usher syndrome type 1F. Last evaluated: 2025-06-18. Review status: criteria provided, single submitter. Criteria: Natera Variant Classification Schema (03/2026). Collection method: clinical testing. Allele origin: germline.
Comment: The c.158-2A>T variant in PCDH15 is a canonical splice acceptor site variant predicted to affect pre-mRNA splicing, which may result in an abnormal transcript and altered protein product. This variant is expected to result in nonsense mediated decay, truncation, or a dysfunctional protein product. This variant is rare in the general population with a frequency below the threshold expected for the associated phenotype(s). This variant has been observed in one or more individuals affected with the associated recessive disease, as either homozygous or compound heterozygous with a second variant (PMID: 36011334). Given the available evidence, this variant is classified as Pathogenic.

Labcorp Genetics (formerly Invitae), Labcorp
Classification: Pathogenic. Last evaluated: 2024-07-08. Review status: criteria provided, single submitter. Criteria: Invitae Variant Classification Sherloc (09022015). Collection method: clinical testing. Allele origin: germline.
Comment: This sequence change affects an acceptor splice site in intron 3 of the PCDH15 gene. It is expected to disrupt RNA splicing. Variants that disrupt the donor or acceptor splice site typically lead to a loss of protein function (PMID: 16199547), and loss-of-function variants in PCDH15 are known to be pathogenic (PMID: 11398101, 11487575, 14570705). This variant is present in population databases (no rsID available, gnomAD 0.002%). Disruption of this splice site has been observed in individual(s) with Usher syndrome (PMID: 36011334; Invitae). This variant is also known as c.173-2A>T. ClinVar contains an entry for this variant (Variation ID: 556109). Algorithms developed to predict the effect of sequence changes on RNA splicing suggest that this variant may disrupt the consensus splice site. For these reasons, this variant has been classified as Pathogenic.

Baylor Genetics
Classification: Likely pathogenic for Autosomal recessive nonsyndromic hearing loss 23. Last evaluated: 2023-07-20. Review status: criteria provided, single submitter. Criteria: ACMG Guidelines, 2015. Collection method: clinical testing. Allele origin: unknown.

Broad Center for Mendelian Genomics, Broad Institute of MIT and Harvard
Classification: Likely pathogenic for Usher syndrome type 1F. Last evaluated: 2023-01-24. Review status: criteria provided, single submitter. Criteria: ACMG Guidelines, 2015. Collection method: curation. Allele origin: germline. Inheritance: Autosomal recessive inheritance.
Comment: The c.158-2A>T variant in PCDH15 has not been reported in the literature in any individual with Usher syndrome type 1F, and has been identified in 0.002% (2/113410) of European (non-Finnish) chromosomes by the Genome Aggregation Database (gnomAD; dbSNP ID: rs1304228309). Although this variant has been seen in the general population in a heterozygous state, its frequency is low enough to be consistent with a recessive carrier frequency. This variant has also been reported in ClinVar (Variation ID#: 813417) and has been interpreted as likely pathogenic or pathogenic by Counsyl, Natera, Inc., and Invitae. This variant is located in the 5' splice region. Computational tools predict a splicing impact, though this information is not predictive enough to determine pathogenicity. Loss of function of the PCDH15 gene is an established disease mechanism in autosomal recessive Usher syndrome type 1F. In summary, although additional studies are required to fully establish its clinical significance, this variant is likely pathogenic for autosomal recessive Usher syndrome type 1F. ACMG/AMP Criteria applied: PVS1, PM2 (Richards 2015).

Counsyl
Classification: Likely pathogenic for Usher syndrome type 1F. Last evaluated: 2018-01-12. Review status: no assertion criteria provided. Collection method: clinical testing. Allele origin: unknown. Not counted in ClinVar's aggregate classification.

Literature cited by the submitters: PubMed 36011334 (cited by Natera, Inc. and Labcorp Genetics (formerly Invitae), Labcorp); PubMed 16199547 (cited by Labcorp Genetics (formerly Invitae), Labcorp); PubMed 11398101 (cited by Labcorp Genetics (formerly Invitae), Labcorp); PubMed 11487575 (cited by Labcorp Genetics (formerly Invitae), Labcorp); PubMed 14570705 (cited by Labcorp Genetics (formerly Invitae), Labcorp).